The following is an entry in ClinVar:

ClinVar aggregate classification (germline): Uncertain significance (1 of 4 stars; one submission).

Submission:

Laboratory for Molecular Medicine, Mass General Brigham Personalized Medicine
Classification: Uncertain significance. Last evaluated: 2017-12-27. Review status: criteria provided, single submitter. Criteria: LMM Criteria. Collection method: clinical testing. Allele origin: germline. Observed: 2 variant alleles.
Comment: Variant classified as Uncertain Significance - Favor Benign. This variant was absent from large population studies. Computational predi ction tools and conservation analysis suggest that this variant may impact the p rotein, though this information is not predictive enough to determine pathogenic ity. In summary, while the clinical significance of the p.Thr2206Ile variant is uncertain, its identification in an unaffected individual suggests that it is mo re likely to be benign. ACMG/AMP Criteria applied: PM2; PP3; PS4_Supporting; BS2 .

NM_001042492.3(NF1):c.6617C>T (p.Thr2206Ile)

Gene: NF1 (neurofibromin 1; plus strand). Cytogenetic location: 17q11.2.
Variant type: single nucleotide variant.
Coding change: c.6617C>T on transcript NM_001042492.3 (MANE Select); coding-DNA position 6617, C replaced by T.
Protein change: p.Thr2206Ile; replaces threonine 2206 with isoleucine.
Molecular consequence: missense variant.
Genome position (GRCh38, 1-based): chr17:31,337,557, C>T. VCF-style: chr17-31337557-C-T. GRCh37 (hg19) VCF-style: chr17-29664575-C-T.
Other names: c.6554C>T, p.Thr2185Ile (NM_000267.4); short protein forms T2185I, T2206I.
Identifiers: ClinVar variation 517380 (VCV000517380.5), dbSNP rs1555534885, ClinGen allele CA399013448.